The following is an entry in ClinVar:

ClinVar aggregate classification (germline): Likely benign (0 of 4 stars; one submission).

Conditions:
LEPR-related disorder. Also called: LEPR-related disorders; LEPR-related condition.

Submission:

PreventionGenetics, part of Exact Sciences
Classification: Likely benign for LEPR-related condition. Last evaluated: 2019-08-12. Review status: no assertion criteria provided. Collection method: clinical testing. Allele origin: germline.
Comment: This variant is classified as likely benign based on ACMG/AMP sequence variant interpretation guidelines (Richards et al. 2015 PMID: 25741868, with internal and published modifications).

NM_002303.6(LEPR):c.371-12_371-9del

Gene: LEPR (leptin receptor; plus strand). Cytogenetic location: 1p31.3.
Variant type: Deletion.
Coding change: c.371-12_371-9del on transcript NM_002303.6 (MANE Select); 12 bases into the intron before coding-DNA position 371 through 9 bases into the intron before coding-DNA position 371, 4 bases deleted (TTTT; older notation c.371-12_371-9delTTTT).
Molecular consequence: intron variant.
Genome position (GRCh38, 1-based): chr1:65,572,314-65,572,317, TTTT deleted; deleting any 4 consecutive bases within chr1:65,572,291-65,572,317 gives the same sequence; the c. name uses the placement nearest the transcript's 3' end. VCF-style (leftmost placement, unchanged base first): chr1-65572290-GTTTT-G. GRCh37 (hg19) VCF-style: chr1-66037973-GTTTT-G.
Other names: c.371-12_371-9del (NM_001003679.3, NM_001003680.3, NM_001198689.2 and 2 more transcripts).
Identifiers: ClinVar variation 3059861 (VCV003059861.2), dbSNP rs747467075, ClinGen allele CA737920177.